The following is an entry in ClinVar:

ClinVar aggregate classification (germline): Likely benign (1 of 4 stars; one submission).

gnomAD v4.1: 2 of 1,612,432 alleles (0.00012%); highest among the groups gnomAD compares: Non-Finnish European, 0.00017%; no homozygotes.

Submission:

GeneDx
Classification: Likely benign. Last evaluated: 2016-08-08. Review status: criteria provided, single submitter. Criteria: GeneDx Variant Classification (06012015). Collection method: clinical testing. Allele origin: germline. Affected: yes.
Comment: This variant is considered likely benign or benign based on one or more of the following criteria: it is a conservative change, it occurs at a poorly conserved position in the protein, it is predicted to be benign by multiple in silico algorithms, and/or has population frequency not consistent with disease.

NM_020442.6(VARS2):c.2496G>C (p.Ser832=)

Gene: VARS2 (valyl-tRNA synthetase 2, mitochondrial; plus strand). Cytogenetic location: 6p21.33.
Variant type: single nucleotide variant.
Coding change: c.2496G>C on transcript NM_020442.6 (MANE Select); coding-DNA position 2496, G replaced by C.
Protein change: p.Ser832=; no amino-acid change (serine 832 retained).
Molecular consequence: synonymous variant.
Genome position (GRCh38, 1-based): chr6:30,924,383, G>C. VCF-style: chr6-30924383-G-C. GRCh37 (hg19) VCF-style: chr6-30892160-G-C.
Other names: c.2076G>C, p.Ser692= (NM_001167733.3); c.2586G>C, p.Ser862= (NM_001167734.2).
Identifiers: ClinVar variation 388279 (VCV000388279.1), dbSNP rs778513420, ClinGen allele CA16604935.